The following is an entry in ClinVar:

NM_004360.5(CDH1):c.1138-10T>C

Gene: CDH1 (cadherin 1; plus strand). Cytogenetic location: 16q22.1.
Variant type: single nucleotide variant.
Coding change: c.1138-10T>C on transcript NM_004360.5 (MANE Select); 10 bases into the intron before coding-DNA position 1138, T replaced by C.
Molecular consequence: intron variant.
Genome position (GRCh38, 1-based): chr16:68,813,303, T>C. VCF-style: chr16-68813303-T-C. GRCh37 (hg19) VCF-style: chr16-68847206-T-C.
Other names: c.-478-10T>C (NM_001317185.2); c.-682-10T>C (NM_001317186.2); c.1137+1040T>C (NM_001317184.2); c.1138-10T>C (LRG_301t1).
Identifiers: ClinVar variation 513163 (VCV000513163.13), dbSNP rs758324153, ClinGen allele CA8130011.

ClinVar aggregate classification (germline): Conflicting classifications of pathogenicity. Review status: criteria provided, conflicting classifications (1 of 4 stars). 5 submissions from 5 submitters: Uncertain significance (1); Likely benign (4). Last evaluated 2026-01-27.

Conditions:
Hereditary cancer-predisposing syndrome. Also called: Hereditary Cancer Syndrome; Tumor predisposition; Neoplastic Syndromes, Hereditary; Hereditary neoplastic syndrome. Identifiers: Orphanet 140162, MedGen C0027672, MeSH D009386, MONDO:0015356.
Hereditary diffuse gastric adenocarcinoma (HDGC). Also called: DIFFUSE GASTRIC AND LOBULAR BREAST CANCER SYNDROME. Identifiers: Orphanet 26106, MedGen C1708349, MONDO:0007648, OMIM 137215.

Allele frequency attached by ClinVar (database versions not stated): gnomAD exomes below 0.00001; ExAC 0.00001; gnomAD 0.00001.
gnomAD v4.1: 2 of 1,613,938 alleles (0.00012%); highest among the groups gnomAD compares: Non-Finnish European, 0.00017%; no homozygotes.

Submissions (5):

Labcorp Genetics (formerly Invitae), Labcorp
Classification: Likely benign for Hereditary diffuse gastric adenocarcinoma. Last evaluated: 2026-01-27. Review status: criteria provided, single submitter. Criteria: Invitae Variant Classification Sherloc (09022015). Collection method: clinical testing. Allele origin: germline.

Myriad Genetics, Inc.
Classification: Likely benign for Hereditary diffuse gastric adenocarcinoma. Last evaluated: 2024-09-18. Review status: criteria provided, single submitter. Criteria: Myriad Autosomal Dominant, Autosomal Recessive and X-Linked Classification Criteria (2023). Collection method: clinical testing. Allele origin: unknown.
Comment: This variant is considered likely benign. This variant is intronic and is not expected to impact mRNA splicing.

European Reference Network on Genetic Tumour Risk Syndromes (ERN-GENTURIS), i3s - Instituto de Investigação e Inovação em Saúde, University of Porto
Classification: Uncertain significance for Hereditary diffuse gastric adenocarcinoma. Last evaluated: 2022-08-01. Review status: criteria provided, single submitter. Criteria: Lee et al. (Hum Mutat. 2018). Collection method: clinical testing. Allele origin: germline. Inheritance: Autosomal dominant inheritance. Affected: no. Study: ERN GENTURIS.
Comment: PM2 (PMID: 30311375)

Color Diagnostics, LLC DBA Color Health
Classification: Likely benign for Hereditary cancer-predisposing syndrome. Last evaluated: 2019-03-21. Review status: criteria provided, single submitter. Criteria: ACMG Guidelines, 2015. Collection method: clinical testing. Allele origin: germline.

GeneDx
Classification: Likely benign. Last evaluated: 2017-11-07. Review status: criteria provided, single submitter. Criteria: GeneDx Variant Classification (06012015). Collection method: clinical testing. Allele origin: germline. Affected: yes.
Comment: This variant is considered likely benign or benign based on one or more of the following criteria: it is a conservative change, it occurs at a poorly conserved position in the protein, it is predicted to be benign by multiple in silico algorithms, and/or has population frequency not consistent with disease.

Literature cited by the submitters: PubMed 36436516 (cited by European Reference Network on Genetic Tumour Risk Syndromes (ERN-GENTURIS), i3s - Instituto de Investigação e Inovação em Saúde, University of Porto).